The following is an entry in ClinVar:

ClinVar aggregate classification (germline): Conflicting classifications of pathogenicity. Review status: criteria provided, conflicting classifications (1 of 4 stars). 3 submissions from 3 submitters: Uncertain significance (2); Likely benign (1). Last evaluated 2025-06-18.

Conditions:
Kabuki syndrome. Also called: NIIKAWA-KUROKI SYNDROME; Kabuki make-up syndrome. Identifiers: Orphanet 2322, MedGen C0796004, MONDO:0016512.
Inborn genetic diseases. Identifiers: MedGen C0950123, MeSH D030342.
KMT2D-related disorder. Also called: KMT2D-Related Disorders.

Allele frequency attached by ClinVar (database versions not stated): gnomAD exomes below 0.00001.
gnomAD v4.1: 4 of 1,613,628 alleles (0.00025%); highest among the groups gnomAD compares: Non-Finnish European, 0.00034%; no homozygotes.

Submissions (3):

Ambry Genetics
Classification: Uncertain significance for Inborn genetic diseases. Last evaluated: 2025-06-18. Review status: criteria provided, single submitter. Criteria: Ambry Variant Classification Scheme 2023. Collection method: clinical testing. Allele origin: germline.

PreventionGenetics, part of Exact Sciences
Classification: Uncertain significance for KMT2D-related condition. Last evaluated: 2025-04-23. Review status: criteria provided, single submitter. Criteria: ACMG Guidelines, 2015. Collection method: clinical testing. Allele origin: germline.
Comment: The KMT2D c.1196G>C variant is predicted to result in the amino acid substitution p.Gly399Ala. To our knowledge, this variant has not been reported in the literature. This variant is reported in 0.00089% of alleles in individuals of European (Non-Finnish) descent in gnomAD. At this time, the clinical significance of this variant is uncertain due to the absence of conclusive functional and genetic evidence.

Labcorp Genetics (formerly Invitae), Labcorp
Classification: Likely benign for Kabuki syndrome. Last evaluated: 2025-02-04. Review status: criteria provided, single submitter. Criteria: Invitae Variant Classification Sherloc (09022015). Collection method: clinical testing. Allele origin: germline.

NM_003482.4(KMT2D):c.1196G>C (p.Gly399Ala)

Gene: KMT2D (lysine methyltransferase 2D; minus strand). Cytogenetic location: 12q13.12.
Variant type: single nucleotide variant.
Coding change: c.1196G>C on transcript NM_003482.4 (MANE Select); coding-DNA position 1196, G replaced by C.
Protein change: p.Gly399Ala; replaces glycine 399 with alanine.
Molecular consequence: missense variant.
Genome position (GRCh38, 1-based): chr12:49,052,626, C>G on the plus strand (G>C on the coding strand, the complement: KMT2D is on the minus strand). VCF-style: chr12-49052626-C-G. GRCh37 (hg19) VCF-style: chr12-49446409-C-G.
Other names: short protein forms G399A.
Identifiers: ClinVar variation 2628734 (VCV002628734.6), dbSNP rs1316703353, ClinGen allele CA384676550.